The following is an entry in ClinVar:

NM_002485.5(NBN):c.244A>C (p.Lys82Gln)

Gene: NBN (nibrin; minus strand). Cytogenetic location: 8q21.3.
Variant type: single nucleotide variant.
Coding change: c.244A>C on transcript NM_002485.5 (MANE Select); coding-DNA position 244, A replaced by C.
Protein change: p.Lys82Gln; replaces lysine 82 with glutamine.
Molecular consequence: missense variant. On other transcripts: 5 prime UTR variant (1).
Genome position (GRCh38, 1-based): chr8:89,981,451, T>G on the plus strand (A>C on the coding strand, the complement: NBN is on the minus strand). VCF-style: chr8-89981451-T-G. GRCh37 (hg19) VCF-style: chr8-90993679-T-G.
Other names: c.-3A>C (NM_001024688.3); short protein forms K82Q.
Identifiers: ClinVar variation 3403057 (VCV003403057.1), dbSNP rs193921030.
Genomic context (GRCh38, chr8:89,981,451, plus strand): 5'-ACACTCCAAAAGTAATACCATCCCCCGACTTCAAAGTTCGGGAAAAGCCATTCTGCATTT[T>G]TTCCTCATTAACAAAGGTACCATACTTAGAATTATCTTTTAATGTCAATACAGGGATTTC-3'
Protein context (NP_002476.2, residues 72-92): SKYGTFVNEE[Lys82Gln]MQNGFSRTLK

ClinVar aggregate classification (germline): Uncertain significance (1 of 4 stars; one submission).

Conditions:
Hereditary cancer-predisposing syndrome. Also called: Hereditary Cancer Syndrome; Tumor predisposition; Hereditary neoplastic syndrome; Neoplastic Syndromes, Hereditary. Identifiers: Orphanet 140162, MedGen C0027672, MeSH D009386, MONDO:0015356.

Submission:

Ambry Genetics
Classification: Uncertain significance for Hereditary cancer-predisposing syndrome. Last evaluated: 2024-08-22. Review status: criteria provided, single submitter. Criteria: Ambry Variant Classification Scheme 2023. Collection method: clinical testing. Allele origin: germline.
Comment: The p.K82Q variant (also known as c.244A>C), located in coding exon 3 of the NBN gene, results from an A to C substitution at nucleotide position 244. The lysine at codon 82 is replaced by glutamine, an amino acid with similar properties. This amino acid position is well conserved in available vertebrate species. In addition, the in silico prediction for this alteration is inconclusive. Based on the available evidence, the clinical significance of this variant remains unclear.